The following is an entry in ClinVar:

ClinVar aggregate classification (germline): Likely benign (1 of 4 stars; one submission).

Allele frequency attached by ClinVar (database versions not stated): TOPMed 0.00009; gnomAD 0.00024; ExAC 0.00109; 1000 Genomes Project 0.00140; 1000 Genomes Project 30x 0.00156.

Submission:

CeGaT Center for Human Genetics Tuebingen
Classification: Likely benign. Last evaluated: 2022-04-01. Review status: criteria provided, single submitter. Criteria: CeGaT Center For Human Genetics Tuebingen Variant Classification Criteria Version 2. Collection method: clinical testing. Allele origin: germline. Affected: yes. Observed: 1 variant allele.
Comment: SAE1: PP3, BS2

NM_005500.3(SAE1):c.127G>A (p.Gly43Ser)

Gene: SAE1 (SUMO1 activating enzyme subunit 1; plus strand). Cytogenetic location: 19q13.32.
Variant type: single nucleotide variant.
Coding change: c.127G>A on transcript NM_005500.3 (MANE Select); coding-DNA position 127, G replaced by A.
Protein change: p.Gly43Ser; replaces glycine 43 with serine.
Molecular consequence: missense variant. On other transcripts: non-coding transcript variant (1).
Genome position (GRCh38, 1-based): chr19:47,143,522, G>A. VCF-style: chr19-47143522-G-A. GRCh37 (hg19) VCF-style: chr19-47646779-G-A.
Other names: c.127G>A, p.Gly43Ser (NM_001145713.2, NM_001145714.2, NM_016402.1); short protein forms G43S.
Identifiers: ClinVar variation 2650142 (VCV002650142.24), dbSNP rs199801330, ClinGen allele CA9535753.